The following is an entry in ClinVar:

NM_001349338.3(FOXP1):c.1319C>G (p.Ser440Ter)

Gene: FOXP1 (forkhead box P1; minus strand). Cytogenetic location: 3p13.
Variant type: single nucleotide variant.
Coding change: c.1319C>G on transcript NM_001349338.3 (MANE Select); coding-DNA position 1319, C replaced by G.
Protein change: p.Ser440Ter; replaces serine 440 with a stop codon.
Molecular consequence: nonsense. On other transcripts: non-coding transcript variant (2).
Genome position (GRCh38, 1-based): chr3:70,977,857, G>C on the plus strand (C>G on the coding strand, the complement: FOXP1 is on the minus strand). VCF-style: chr3-70977857-G-C. GRCh37 (hg19) VCF-style: chr3-71027008-G-C.
Other names: c.1319C>G, p.Ser440Ter (NM_001244808.3, NM_001244810.2, NM_001244814.3 and 3 more transcripts); c.1091C>G, p.Ser364Ter (NM_001244812.3); c.1019C>G, p.Ser340Ter (NM_001244813.3, NM_001244815.2, NM_001349342.3 and 1 more transcripts); c.1016C>G, p.Ser339Ter (NM_001349337.2, NM_001349343.3, NM_001349344.3); c.1316C>G, p.Ser439Ter (NM_001349341.3); short protein forms S339*, S340*, S364*, S439*, S440*.
Identifiers: ClinVar variation 986798 (VCV000986798.6), dbSNP rs2037906065, ClinGen allele CA353493451.

ClinVar aggregate classification (germline): Pathogenic. Review status: criteria provided, multiple submitters, no conflicts (2 of 4 stars). 2 submissions from 2 submitters: Pathogenic (2). Last evaluated 2022-08-12.

Submissions (2):

Labcorp Genetics (formerly Invitae), Labcorp
Classification: Pathogenic. Last evaluated: 2022-08-12. Review status: criteria provided, single submitter. Criteria: Invitae Variant Classification Sherloc (09022015). Collection method: clinical testing. Allele origin: germline.
Comment: For these reasons, this variant has been classified as Pathogenic. ClinVar contains an entry for this variant (Variation ID: 986798). This premature translational stop signal has been observed in individual(s) with FOXP1-related intellectual disability syndrome (PMID: 28735298). This variant is not present in population databases (gnomAD no frequency). This sequence change creates a premature translational stop signal (p.Ser440*) in the FOXP1 gene. It is expected to result in an absent or disrupted protein product. Loss-of-function variants in FOXP1 are known to be pathogenic (PMID: 28735298).

Institute of Medical Genetics and Applied Genomics, University Hospital Tübingen
Classification: Pathogenic. Last evaluated: 2020-10-23. Review status: criteria provided, single submitter. Criteria: ACMG Guidelines, 2015. Collection method: clinical testing. Allele origin: germline. Inheritance: Unknown mechanism. Affected: yes.

Literature cited by the submitters: PubMed 28735298 (cited by Labcorp Genetics (formerly Invitae), Labcorp).